The following is an entry in ClinVar:

NM_130466.4(UBE3B):c.668G>T (p.Cys223Phe)

Gene: UBE3B (ubiquitin protein ligase E3B; plus strand). Cytogenetic location: 12q24.11.
Variant type: single nucleotide variant.
Coding change: c.668G>T on transcript NM_130466.4 (MANE Select); coding-DNA position 668, G replaced by T.
Protein change: p.Cys223Phe; replaces cysteine 223 with phenylalanine.
Molecular consequence: missense variant.
Genome position (GRCh38, 1-based): chr12:109,491,082, G>T. VCF-style: chr12-109491082-G-T. GRCh37 (hg19) VCF-style: chr12-109928887-G-T.
Other names: c.668G>T, p.Cys223Phe (NM_183415.3); short protein forms C223F.
Identifiers: ClinVar variation 2175218 (VCV002175218.4), dbSNP rs2548483276, ClinGen allele CA386633312.

ClinVar aggregate classification (germline): Uncertain significance (1 of 4 stars; one submission).

Submission:

Labcorp Genetics (formerly Invitae), Labcorp
Classification: Uncertain significance. Last evaluated: 2022-07-25. Review status: criteria provided, single submitter. Criteria: Invitae Variant Classification Sherloc (09022015). Collection method: clinical testing. Allele origin: germline.
Comment: In summary, the available evidence is currently insufficient to determine the role of this variant in disease. Therefore, it has been classified as a Variant of Uncertain Significance. Algorithms developed to predict the effect of missense changes on protein structure and function (SIFT, PolyPhen-2, Align-GVGD) all suggest that this variant is likely to be tolerated. This variant has not been reported in the literature in individuals affected with UBE3B-related conditions. This variant is not present in population databases (gnomAD no frequency). This sequence change replaces cysteine, which is neutral and slightly polar, with phenylalanine, which is neutral and non-polar, at codon 223 of the UBE3B protein (p.Cys223Phe).